The following is an entry in ClinVar:

ClinVar aggregate classification (germline): Uncertain significance. Review status: criteria provided, multiple submitters, no conflicts (2 of 4 stars). 2 submissions from 2 submitters: Uncertain significance (2). Last evaluated 2026-07-10.

Conditions:
Rubinstein-Taybi syndrome due to EP300 haploinsufficiency. Also called: RUBINSTEIN-TAYBI SYNDROME 2; EP300-Related Rubinstein-Taybi Syndrome. Identifiers: Orphanet 353284, Orphanet 783, MedGen C3150941, MONDO:0013364, OMIM 613684.
EP300-related disorder. Also called: EP300-related disorders; EP300-related condition.

gnomAD v4.1: 1 of 1,612,066 alleles (0.000062%); highest among the groups gnomAD compares: Non-Finnish European, 0.000085%; no homozygotes.

Submissions (2):

PreventionGenetics, part of Exact Sciences
Classification: Uncertain significance for EP300-related condition. Last evaluated: 2026-07-10. Review status: criteria provided, single submitter. Criteria: ACMG Guidelines, 2015. Collection method: clinical testing. Allele origin: germline.
Comment: The EP300 c.2768C>T variant is predicted to result in the amino acid substitution p.Ser923Phe. To our knowledge, this variant has not been reported in the literature or in a large population database (gnomAD), indicating this variant is rare. At this time, the clinical significance of this variant is uncertain due to the absence of conclusive functional and genetic evidence.

Labcorp Genetics (formerly Invitae), Labcorp
Classification: Uncertain significance for Rubinstein-Taybi syndrome due to EP300 haploinsufficiency. Last evaluated: 2025-08-29. Review status: criteria provided, single submitter. Criteria: Invitae Variant Classification Sherloc (09022015). Collection method: clinical testing. Allele origin: germline.
Comment: This sequence change replaces serine, which is neutral and polar, with phenylalanine, which is neutral and non-polar, at codon 923 of the EP300 protein (p.Ser923Phe). This variant is not present in population databases (gnomAD no frequency). This variant has not been reported in the literature in individuals affected with EP300-related conditions. Invitae Evidence Modeling of protein sequence and biophysical properties (such as structural, functional, and spatial information, amino acid conservation, physicochemical variation, residue mobility, and thermodynamic stability) indicates that this missense variant is not expected to disrupt EP300 protein function with a negative predictive value of 95%. In summary, the available evidence is currently insufficient to determine the role of this variant in disease. Therefore, it has been classified as a Variant of Uncertain Significance.

NM_001429.4(EP300):c.2768C>T (p.Ser923Phe)

Gene: EP300 (EP300 lysine acetyltransferase; plus strand). Cytogenetic location: 22q13.2.
Variant type: single nucleotide variant.
Coding change: c.2768C>T on transcript NM_001429.4 (MANE Select); coding-DNA position 2768, C replaced by T.
Protein change: p.Ser923Phe; replaces serine 923 with phenylalanine.
Molecular consequence: missense variant.
Genome position (GRCh38, 1-based): chr22:41,150,149, C>T. VCF-style: chr22-41150149-C-T. GRCh37 (hg19) VCF-style: chr22-41546153-C-T.
Other names: c.2690C>T, p.Ser897Phe (NM_001362843.2); c.2768C>T (NM_001429.3); short protein forms S897F, S923F.
Identifiers: ClinVar variation 4765497 (VCV004765497.2).